The following is an entry in ClinVar:

NM_014593.4(CXXC1):c.345T>C (p.Asp115=)

Gene: CXXC1 (CXXC finger protein 1; minus strand). Cytogenetic location: 18q21.1.
Variant type: single nucleotide variant.
Coding change: c.345T>C on transcript NM_014593.4 (MANE Select); coding-DNA position 345, T replaced by C.
Protein change: p.Asp115=; no amino-acid change (aspartic acid 115 retained).
Molecular consequence: synonymous variant.
Genome position (GRCh38, 1-based): chr18:50,286,136, A>G on the plus strand (T>C on the coding strand, the complement: CXXC1 is on the minus strand). VCF-style: chr18-50286136-A-G. GRCh37 (hg19) VCF-style: chr18-47812506-A-G.
Other names: c.345T>C, p.Asp115= (NM_001101654.2).
Identifiers: ClinVar variation 3234383 (VCV003234383.20), dbSNP rs2517536381, ClinGen allele CA503993244.

ClinVar aggregate classification (germline): Likely benign (1 of 4 stars; one submission).

Submission:

CeGaT Center for Human Genetics Tuebingen
Classification: Likely benign. Last evaluated: 2024-03-01. Review status: criteria provided, single submitter. Criteria: CeGaT Center For Human Genetics Tuebingen Variant Classification Criteria Version 2. Collection method: clinical testing. Allele origin: germline. Affected: yes. Observed: 1 variant allele.
Comment: CXXC1: PM2:Supporting, BP4, BP7